The following is an entry in ClinVar:

ClinVar aggregate classification (germline): Conflicting classifications of pathogenicity. Review status: criteria provided, conflicting classifications (1 of 4 stars). 6 submissions from 6 submitters: Uncertain significance (1); Benign (1); Likely benign (4). Last evaluated 2025-11-28.

Conditions:
Hereditary nonpolyposis colorectal neoplasms. Identifiers: MedGen C0009405, MeSH D003123.
Hereditary cancer-predisposing syndrome. Also called: Neoplastic Syndromes, Hereditary; Hereditary Cancer Syndrome; Tumor predisposition; Hereditary neoplastic syndrome. Identifiers: Orphanet 140162, MedGen C0027672, MeSH D009386, MONDO:0015356.
Lynch syndrome 5 (LYNCH5). Also called: Colorectal cancer, hereditary nonpolyposis, type 5; Hereditary non-polyposis colorectal cancer, type 5. Identifiers: Orphanet 144, MedGen C1833477, MONDO:0013710, OMIM 614350. Disease mechanism: loss of function.

gnomAD v4.1: 2 of 1,614,066 alleles (0.00012%); highest among the groups gnomAD compares: Non-Finnish European, 0.00017%; no homozygotes.

Submissions (6):

Labcorp Genetics (formerly Invitae), Labcorp
Classification: Likely benign for Hereditary nonpolyposis colorectal neoplasms. Last evaluated: 2025-11-28. Review status: criteria provided, single submitter. Criteria: Invitae Variant Classification Sherloc (09022015). Collection method: clinical testing. Allele origin: germline.

Myriad Genetics, Inc.
Classification: Benign for Lynch syndrome 5. Last evaluated: 2024-12-31. Review status: criteria provided, single submitter. Criteria: Myriad Autosomal Dominant, Autosomal Recessive and X-Linked Classification Criteria (2023). Collection method: clinical testing. Allele origin: unknown.
Comment: This variant is considered benign. This variant is a silent/synonymous amino acid change and it is not expected to impact splicing.

Ambry Genetics
Classification: Likely benign for Hereditary cancer-predisposing syndrome. Last evaluated: 2023-10-13. Review status: criteria provided, single submitter. Criteria: Ambry Variant Classification Scheme 2023. Collection method: clinical testing. Allele origin: germline.

Sema4
Classification: Likely benign for Hereditary cancer-predisposing syndrome. Last evaluated: 2021-08-19. Review status: criteria provided, single submitter. Criteria: Sema4 Curation Guidelines. Collection method: curation. Allele origin: germline.

GeneDx
Classification: Likely benign. Last evaluated: 2019-02-14. Review status: criteria provided, single submitter. Criteria: GeneDx Variant Classification Process June 2021. Collection method: clinical testing. Allele origin: germline. Affected: yes.
Comment: This variant is associated with the following publications: (PMID: 31159747)

GeneKor MSA
Classification: Uncertain significance for Hereditary cancer-predisposing syndrome. Last evaluated: 2018-08-01. Review status: criteria provided, single submitter. Criteria: ACMG Guidelines, 2015. Collection method: clinical testing. Allele origin: germline. Affected: yes.

NM_000179.3(MSH6):c.2622C>T (p.Ile874=)

Gene: MSH6 (mutS homolog 6; plus strand). Cytogenetic location: 2p16.3.
Variant type: single nucleotide variant.
Coding change: c.2622C>T on transcript NM_000179.3 (MANE Select); coding-DNA position 2622, C replaced by T.
Protein change: p.Ile874=; no amino-acid change (isoleucine 874 retained).
Molecular consequence: synonymous variant.
Genome position (GRCh38, 1-based): chr2:47,800,605, C>T. VCF-style: chr2-47800605-C-T. GRCh37 (hg19) VCF-style: chr2-48027744-C-T.
Other names: c.2232C>T, p.Ile744= (NM_001281492.2); c.1716C>T, p.Ile572= (NM_001281493.2, NM_001281494.2).
Identifiers: ClinVar variation 584535 (VCV000584535.16), dbSNP rs1200093419, ClinGen allele CA426121889.